The following is an entry in ClinVar:

ClinVar aggregate classification (germline): Uncertain significance (1 of 4 stars; one submission).

Allele frequency attached by ClinVar (database versions not stated): TOPMed below 0.00001; gnomAD 0.00002.
gnomAD v4.1: 107 of 1,614,084 alleles (0.0066%); highest among the groups gnomAD compares: South Asian, 0.12%; 2 homozygotes.

Submission:

Ambry Genetics
Classification: Uncertain significance. Last evaluated: 2024-06-08. Review status: criteria provided, single submitter. Criteria: Ambry Variant Classification Scheme 2023. Collection method: clinical testing. Allele origin: germline.
Comment: The p.T606I variant (also known as c.1817C>T), located in coding exon 3 of the ALPK2 gene, results from a C to T substitution at nucleotide position 1817. The threonine at codon 606 is replaced by isoleucine, an amino acid with similar properties. This amino acid position is conserved. In addition, this alteration is predicted to be tolerated by in silico analysis. Since supporting evidence is limited at this time, the clinical significance of this alteration remains unclear.

NM_052947.4(ALPK2):c.1817C>T (p.Thr606Ile)

Gene: ALPK2 (alpha kinase 2; minus strand). Cytogenetic location: 18q21.31.
Variant type: single nucleotide variant.
Coding change: c.1817C>T on transcript NM_052947.4 (MANE Select); coding-DNA position 1817, C replaced by T.
Protein change: p.Thr606Ile; replaces threonine 606 with isoleucine.
Molecular consequence: missense variant.
Genome position (GRCh38, 1-based): chr18:58,578,959, G>A on the plus strand (C>T on the coding strand, the complement: ALPK2 is on the minus strand). VCF-style: chr18-58578959-G-A. GRCh37 (hg19) VCF-style: chr18-56246191-G-A.
Other names: short protein forms T606I.
Identifiers: ClinVar variation 1780690 (VCV001780690.3), dbSNP rs777477577, ClinGen allele CA8977187.